The following is an entry in ClinVar:

NM_001386298.1(CIC):c.2499G>C (p.Glu833Asp)

Gene: CIC (capicua transcriptional repressor; plus strand). Cytogenetic location: 19q13.2.
Variant type: single nucleotide variant.
Coding change: c.2499G>C on transcript NM_001386298.1 (MANE Select); coding-DNA position 2499, G replaced by C.
Protein change: p.Glu833Asp; replaces glutamic acid 833 with aspartic acid.
Molecular consequence: missense variant. On other transcripts: genic upstream transcript variant (1).
Genome position (GRCh38, 1-based): chr19:42,274,282, G>C. VCF-style: chr19-42274282-G-C. GRCh37 (hg19) VCF-style: chr19-42778434-G-C.
Other names: c.2499G>C, p.Glu833Asp (NM_001304815.2, NM_001379480.1, NM_001379482.1 and 6 more transcripts); c.-10423G>C (NM_015125.5); short protein forms E833D.
Identifiers: ClinVar variation 4537054 (VCV004537054.1).

ClinVar aggregate classification (germline): Uncertain significance (1 of 4 stars; one submission).

gnomAD v4.1: 1 of 398,804 alleles (0.00025%); highest among the groups gnomAD compares: East Asian, 0.0036%; no homozygotes.

Submission:

Women's Health and Genetics/Laboratory Corporation of America, LabCorp
Classification: Uncertain significance. Last evaluated: 2025-11-05. Review status: criteria provided, single submitter. Criteria: LabCorp Variant Classification Summary - May 2015. Collection method: clinical testing. Allele origin: germline.
Comment: Variant summary: CIC NM_001304815.2 c.2499G>C (p.Glu833Asp) results in a conservative amino acid change in the encoded protein sequence. Algorithms developed to predict the effect of missense changes on protein structure and function are either unavailable or do not agree on the potential impact of this missense change. This variant is also annotated as CIC NM_015125.5 c.-10423G>C and located in the untranscribed region upstream of the CIC gene region. located in the untranscribed region upstream of the CIC gene region. The variant was absent in 31392 control chromosomes. The available data on variant occurrences in the general population are insufficient to allow any conclusion about variant significance. To our knowledge, no occurrence of this variant in individuals affected with CIC-related conditions and no experimental evidence demonstrating its impact on protein function have been reported. No submitters have cited clinical-significance assessments for this variant to ClinVar. Based on the evidence outlined above, the variant was classified as uncertain significance.